The following is an entry in ClinVar:

NM_000535.7(PMS2):c.2111A>G (p.Asp704Gly)

Gene: PMS2 (PMS1 homolog 2, mismatch repair system component; minus strand). Cytogenetic location: 7p22.1.
Variant type: single nucleotide variant.
Coding change: c.2111A>G on transcript NM_000535.7 (MANE Select); coding-DNA position 2111, A replaced by G.
Protein change: p.Asp704Gly; replaces aspartic acid 704 with glycine.
Molecular consequence: missense variant. On other transcripts: non-coding transcript variant (1).
Genome position (GRCh38, 1-based): chr7:5,982,887, T>C on the plus strand (A>G on the coding strand, the complement: PMS2 is on the minus strand). VCF-style: chr7-5982887-T-C. GRCh37 (hg19) VCF-style: chr7-6022518-T-C.
Other names: c.1802A>G, p.Asp601Gly (NM_001322015.2, NM_001406875.1, NM_001406877.1 and 5 more transcripts); c.2297A>G, p.Asp766Gly (NM_001406866.1); c.2135A>G, p.Asp712Gly (NM_001406868.1); c.2003A>G, p.Asp668Gly (NM_001406869.1); c.1955A>G, p.Asp652Gly (NM_001406870.1, NM_001322006.2); c.2111A>G, p.Asp704Gly (NM_001406871.1, NM_001322014.2); c.1913A>G, p.Asp638Gly (NM_001406873.1); c.1943A>G, p.Asp648Gly (NM_001406874.1); and 13 more; short protein forms D393G, D533G, D592G, D303G, D513G, D582G, D601G, D652G.
Identifiers: ClinVar variation 2186459 (VCV002186459.4), dbSNP rs2128703252, ClinGen allele CA366737975.

ClinVar aggregate classification (germline): Uncertain significance. Review status: criteria provided, multiple submitters, no conflicts (2 of 4 stars). 2 submissions from 2 submitters: Uncertain significance (2). Last evaluated 2026-06-25.

Conditions:
Hereditary nonpolyposis colorectal neoplasms. Identifiers: MedGen C0009405, MeSH D003123.
Hereditary cancer-predisposing syndrome. Also called: Tumor predisposition; Hereditary Cancer Syndrome; Hereditary neoplastic syndrome; Neoplastic Syndromes, Hereditary. Identifiers: Orphanet 140162, MedGen C0027672, MeSH D009386, MONDO:0015356.

Submissions (2):

Ambry Genetics
Classification: Uncertain significance for Hereditary cancer-predisposing syndrome. Last evaluated: 2026-06-25. Review status: criteria provided, single submitter. Criteria: Ambry Variant Classification Scheme 2023. Collection method: clinical testing. Allele origin: germline.
Comment: The p.D704G variant (also known as c.2111A>G), located in coding exon 12 of the PMS2 gene, results from an A to G substitution at nucleotide position 2111. The aspartic acid at codon 704 is replaced by glycine, an amino acid with similar properties. This amino acid position is conserved. In addition, this alteration is predicted to be deleterious by in silico analysis. Based on the available evidence, the clinical significance of this variant remains unclear.

Labcorp Genetics (formerly Invitae), Labcorp
Classification: Uncertain significance for Hereditary nonpolyposis colorectal neoplasms. Last evaluated: 2024-04-24. Review status: criteria provided, single submitter. Criteria: Invitae Variant Classification Sherloc (09022015). Collection method: clinical testing. Allele origin: germline.
Comment: This sequence change replaces aspartic acid, which is acidic and polar, with glycine, which is neutral and non-polar, at codon 704 of the PMS2 protein (p.Asp704Gly). The frequency data for this variant in the population databases (gnomAD) is considered unreliable due to the presence of homologous sequence, such as pseudogenes or paralogs, in the genome. This variant has not been reported in the literature in individuals affected with PMS2-related conditions. ClinVar contains an entry for this variant (Variation ID: 2186459). Advanced modeling of protein sequence and biophysical properties (such as structural, functional, and spatial information, amino acid conservation, physicochemical variation, residue mobility, and thermodynamic stability) performed at Invitae indicates that this missense variant is expected to disrupt PMS2 protein function with a positive predictive value of 80%. In summary, the available evidence is currently insufficient to determine the role of this variant in disease. Therefore, it has been classified as a Variant of Uncertain Significance.